The following is an entry in ClinVar:

ClinVar aggregate classification (germline): Uncertain significance (1 of 4 stars; one submission).

Submission:

Labcorp Genetics (formerly Invitae), Labcorp
Classification: Uncertain significance. Last evaluated: 2024-03-20. Review status: criteria provided, single submitter. Criteria: Invitae Variant Classification Sherloc (09022015). Collection method: clinical testing. Allele origin: germline.
Comment: This sequence change replaces tyrosine, which is neutral and polar, with asparagine, which is neutral and polar, at codon 247 of the NAA15 protein (p.Tyr247Asn). This variant is not present in population databases (gnomAD no frequency). This variant has not been reported in the literature in individuals affected with NAA15-related conditions. An algorithm developed to predict the effect of missense changes on protein structure and function (PolyPhen-2) suggests that this variant is likely to be disruptive. In summary, the available evidence is currently insufficient to determine the role of this variant in disease. Therefore, it has been classified as a Variant of Uncertain Significance.

NM_057175.5(NAA15):c.739T>A (p.Tyr247Asn)

Gene: NAA15 (N-alpha-acetyltransferase 15, NatA auxiliary subunit; plus strand). Cytogenetic location: 4q31.1.
Variant type: single nucleotide variant.
Coding change: c.739T>A on transcript NM_057175.5 (MANE Select); coding-DNA position 739, T replaced by A.
Protein change: p.Tyr247Asn; replaces tyrosine 247 with asparagine.
Molecular consequence: missense variant.
Genome position (GRCh38, 1-based): chr4:139,349,509, T>A. VCF-style: chr4-139349509-T-A. GRCh37 (hg19) VCF-style: chr4-140270663-T-A.
Other names: c.739T>A, p.Tyr247Asn (NM_001410842.1); short protein forms Y247N.
Identifiers: ClinVar variation 3646510 (VCV003646510.2).